The following is an entry in ClinVar:

ClinVar aggregate classification (germline): Uncertain significance (1 of 4 stars; one submission).

Submission:

Dasa
Classification: Uncertain significance. Last evaluated: 2025-08-08. Review status: criteria provided, single submitter. Criteria: DASA Assertion Criteria. Collection method: clinical testing. Allele origin: germline.
Comment: NM_001367721.1(CASK):c.2503C>A (p.Leu835Met) is a missense variant that results in the substitution of leucine with methionine. This variant is absent from population databases. Computational prediction algorithms are consistent with a deleterious effect. The currently available literature and clinical evidence are not sufficient to establish a definitive association between this variant and the reported condition. Therefore, this variant is classified as a variant of uncertain significance.

NM_001367721.1(CASK):c.2503C>A (p.Leu835Met)

Gene: CASK (calcium/calmodulin dependent serine protein kinase; minus strand). Cytogenetic location: Xp11.4.
Variant type: single nucleotide variant.
Coding change: c.2503C>A on transcript NM_001367721.1 (MANE Select); coding-DNA position 2503, C replaced by A.
Protein change: p.Leu835Met; replaces leucine 835 with methionine.
Molecular consequence: missense variant.
Genome position (GRCh38, 1-based): chrX:41,531,024, G>T on the plus strand (C>A on the coding strand, the complement: CASK is on the minus strand). VCF-style: chrX-41531024-G-T. GRCh37 (hg19) VCF-style: chrX-41390277-G-T.
Other names: c.2419C>A, p.Leu807Met (NM_001126054.3); c.2416C>A, p.Leu806Met (NM_001126055.3); c.2485C>A, p.Leu829Met (NM_001410745.1); c.2488C>A, p.Leu830Met (NM_003688.4); short protein forms L806M, L807M, L829M, L830M, L835M.
Identifiers: ClinVar variation 4882234 (VCV004882234.2).